The following is an entry in ClinVar:

NM_139076.3(ABRAXAS1):c.890G>T (p.Cys297Phe)

Gene: ABRAXAS1 (abraxas 1, BRCA1 A complex subunit; minus strand). Cytogenetic location: 4q21.23.
Variant type: single nucleotide variant.
Coding change: c.890G>T on transcript NM_139076.3 (MANE Select); coding-DNA position 890, G replaced by T.
Protein change: p.Cys297Phe; replaces cysteine 297 with phenylalanine.
Molecular consequence: missense variant.
Genome position (GRCh38, 1-based): chr4:83,462,809, C>A on the plus strand (G>T on the coding strand, the complement: ABRAXAS1 is on the minus strand). VCF-style: chr4-83462809-C-A. GRCh37 (hg19) VCF-style: chr4-84383962-C-A.
Other names: c.563G>T, p.Cys188Phe (NM_001345962.2); short protein forms C297F, C188F.
Identifiers: ClinVar variation 860973 (VCV000860973.13), dbSNP rs377162113, ClinGen allele CA100678489.

ClinVar aggregate classification (germline): Uncertain significance. Review status: criteria provided, multiple submitters, no conflicts (2 of 4 stars). 3 submissions from 3 submitters: Uncertain significance (3). Last evaluated 2025-11-10.

Allele frequency attached by ClinVar (database versions not stated): TOPMed 0.00001; gnomAD 0.00003; gnomAD exomes 0.00003; ESP Exome Variant Server 0.00008.

Submissions (3):

Labcorp Genetics (formerly Invitae), Labcorp
Classification: Uncertain significance. Last evaluated: 2025-11-10. Review status: criteria provided, single submitter. Criteria: Invitae Variant Classification Sherloc (09022015). Collection method: clinical testing. Allele origin: germline.
Comment: This sequence change replaces cysteine, which is neutral and slightly polar, with phenylalanine, which is neutral and non-polar, at codon 297 of the ABRAXAS1 protein (p.Cys297Phe). This variant is present in population databases (rs377162113, gnomAD 0.01%). This variant has not been reported in the literature in individuals affected with ABRAXAS1-related conditions. ClinVar contains an entry for this variant (Variation ID: 860973). Invitae Evidence Modeling of protein sequence and biophysical properties (such as structural, functional, and spatial information, amino acid conservation, physicochemical variation, residue mobility, and thermodynamic stability) has been performed for this missense variant. However, the output from this modeling did not meet the statistical confidence thresholds required to predict the impact of this variant on ABRAXAS1 protein function. In summary, the available evidence is currently insufficient to determine the role of this variant in disease. Therefore, it has been classified as a Variant of Uncertain Significance.

Ambry Genetics
Classification: Uncertain significance. Last evaluated: 2024-10-11. Review status: criteria provided, single submitter. Criteria: Ambry Variant Classification Scheme 2023. Collection method: clinical testing. Allele origin: germline.
Comment: The p.C297F variant (also known as c.890G>T), located in coding exon 9 of the FAM175A gene, results from a G to T substitution at nucleotide position 890. The cysteine at codon 297 is replaced by phenylalanine, an amino acid with highly dissimilar properties. This amino acid position is conserved. In addition, the in silico prediction for this alteration is inconclusive. Since supporting evidence is limited at this time, the clinical significance of this alteration remains unclear.

Women's Health and Genetics/Laboratory Corporation of America, LabCorp
Classification: Uncertain significance. Last evaluated: 2023-09-21. Review status: criteria provided, single submitter. Criteria: LabCorp Variant Classification Summary - May 2015. Collection method: clinical testing. Allele origin: germline.